The following is an entry in ClinVar:

NM_153210.5(USP43):c.2106T>G (p.Ala702=)

Gene: USP43 (ubiquitin specific peptidase 43; plus strand). Cytogenetic location: 17p13.1.
Variant type: single nucleotide variant.
Coding change: c.2106T>G on transcript NM_153210.5 (MANE Select); coding-DNA position 2106, T replaced by G.
Protein change: p.Ala702=; no amino-acid change (alanine 702 retained).
Molecular consequence: synonymous variant.
Genome position (GRCh38, 1-based): chr17:9,710,050, T>G. VCF-style: chr17-9710050-T-G. GRCh37 (hg19) VCF-style: chr17-9613367-T-G.
Other names: c.2091T>G, p.Ala697= (NM_001267576.2).
Identifiers: ClinVar variation 2647466 (VCV002647466.24), dbSNP rs368374779, ClinGen allele CA8382832.

ClinVar aggregate classification (germline): Likely benign (1 of 4 stars; one submission).

Allele frequency attached by ClinVar (database versions not stated): gnomAD 0.00007; ExAC 0.00008; ESP Exome Variant Server 0.00008; TOPMed 0.00012.
gnomAD v4.1: 118 of 1,570,000 alleles (0.0075%); highest among the groups gnomAD compares: Middle Eastern, 0.46%; no homozygotes.

Submission:

CeGaT Center for Human Genetics Tuebingen
Classification: Likely benign. Last evaluated: 2022-07-01. Review status: criteria provided, single submitter. Criteria: CeGaT Center For Human Genetics Tuebingen Variant Classification Criteria Version 2. Collection method: clinical testing. Allele origin: germline. Affected: yes. Observed: 1 variant allele.
Comment: USP43: BP4, BP7